The following is an entry in ClinVar:

ClinVar aggregate classification (germline): Likely benign (0 of 4 stars; one submission).

Conditions:
SMC3-related disorder. Also called: SMC3-related condition.

gnomAD v4.1: 3 of 1,614,160 alleles (0.00019%); highest among the groups gnomAD compares: Non-Finnish European, 0.00025%; no homozygotes.

Submission:

PreventionGenetics, part of Exact Sciences
Classification: Likely benign for SMC3-related condition. Last evaluated: 2019-06-24. Review status: no assertion criteria provided. Collection method: clinical testing. Allele origin: germline.
Comment: This variant is classified as likely benign based on ACMG/AMP sequence variant interpretation guidelines (Richards et al. 2015 PMID: 25741868, with internal and published modifications).

NM_005445.4(SMC3):c.1632A>G (p.Pro544=)

Gene: SMC3 (structural maintenance of chromosomes 3; plus strand). Cytogenetic location: 10q25.2.
Variant type: single nucleotide variant.
Coding change: c.1632A>G on transcript NM_005445.4 (MANE Select); coding-DNA position 1632, A replaced by G.
Protein change: p.Pro544=; no amino-acid change (proline 544 retained).
Molecular consequence: synonymous variant.
Genome position (GRCh38, 1-based): chr10:110,590,534, A>G. VCF-style: chr10-110590534-A-G. GRCh37 (hg19) VCF-style: chr10-112350292-A-G.
Identifiers: ClinVar variation 3351901 (VCV003351901.1).